The following is an entry in ClinVar:

NM_001384732.1(CPLANE1):c.6306A>G (p.Gly2102=)

Gene: CPLANE1 (ciliogenesis and planar polarity effector complex subunit 1; minus strand). Cytogenetic location: 5p13.2.
Variant type: single nucleotide variant.
Coding change: c.6306A>G on transcript NM_001384732.1 (MANE Select); coding-DNA position 6306, A replaced by G.
Protein change: p.Gly2102=; no amino-acid change (glycine 2102 retained).
Molecular consequence: synonymous variant.
Genome position (GRCh38, 1-based): chr5:37,170,197, T>C on the plus strand (A>G on the coding strand, the complement: CPLANE1 is on the minus strand). VCF-style: chr5-37170197-T-C. GRCh37 (hg19) VCF-style: chr5-37170299-T-C.
Other names: c.6306A>G, p.Gly2102= (NM_023073.4).
Identifiers: ClinVar variation 669037 (VCV000669037.4), dbSNP rs1225569789, ClinGen allele CA444097267.

ClinVar aggregate classification (germline): Likely benign. Review status: criteria provided, multiple submitters, no conflicts (2 of 4 stars). 2 submissions from 2 submitters: Likely benign (2). Last evaluated 2023-05-15.

Submissions (2):

Labcorp Genetics (formerly Invitae), Labcorp
Classification: Likely benign. Last evaluated: 2023-05-15. Review status: criteria provided, single submitter. Criteria: Invitae Variant Classification Sherloc (09022015). Collection method: clinical testing. Allele origin: germline.

GeneDx
Classification: Likely benign. Last evaluated: 2018-06-06. Review status: criteria provided, single submitter. Criteria: GeneDx Variant Classification (06012015). Collection method: clinical testing. Allele origin: germline. Affected: yes.
Comment: This variant is considered likely benign or benign based on one or more of the following criteria: it is a conservative change, it occurs at a poorly conserved position in the protein, it is predicted to be benign by multiple in silico algorithms, and/or has population frequency not consistent with disease.